The following is an entry in ClinVar:

ClinVar aggregate classification (germline): Benign/Likely benign. Review status: criteria provided, multiple submitters, no conflicts (2 of 4 stars). 5 submissions from 5 submitters: Benign (2); Likely benign (2). 1 of the submissions does not count toward it. Last evaluated 2026-02-02.

Conditions:
SLC26A3-related disorder. Also called: SLC26A3-related condition.
Congenital secretory diarrhea, chloride type (DIAR1). Also called: DIARRHEA 1, SECRETORY CHLORIDE, CONGENITAL; CHLORIDORRHEA, CONGENITAL; CHLORIDE DIARRHEA, CONGENITAL, FINNISH TYPE. Identifiers: Orphanet 53689, MedGen C0267662, MONDO:0008964, OMIM 214700.

Allele frequency attached by ClinVar (database versions not stated): 1000 Genomes Project 30x 0.00328; 1000 Genomes Project 0.00359; gnomAD 0.00462; TOPMed 0.00465; ESP Exome Variant Server 0.00477; gnomAD exomes 0.00599.
gnomAD v4.1: 9,539 of 1,613,214 alleles (0.59%); highest among the groups gnomAD compares: Middle Eastern, 2.8%; 50 homozygotes.

Submissions (5):

Labcorp Genetics (formerly Invitae), Labcorp
Classification: Benign. Last evaluated: 2026-02-02. Review status: criteria provided, single submitter. Criteria: Invitae Variant Classification Sherloc (09022015). Collection method: clinical testing. Allele origin: germline.

GeneDx
Classification: Benign. Last evaluated: 2020-12-14. Review status: criteria provided, single submitter. Criteria: GeneDx Variant Classification Process June 2021. Collection method: clinical testing. Allele origin: germline. Affected: yes.

Illumina Laboratory Services, Illumina
Classification: Likely benign for Congenital secretory diarrhea, chloride type. Last evaluated: 2018-01-13. Review status: criteria provided, single submitter. Criteria: ICSL Variant Classification Criteria 13 December 2019. Collection method: clinical testing. Allele origin: germline.
Comment: This variant was observed in the ICSL laboratory as part of a predisposition screen in an ostensibly healthy population. It had not been previously curated by ICSL or reported in the Human Gene Mutation Database (HGMD: prior to June 1st, 2018), and was therefore a candidate for classification through an automated scoring system. Utilizing variant allele frequency, disease prevalence and penetrance estimates, and inheritance mode, an automated score was calculated to assess if this variant is too frequent to cause the disease. Based on the score and internal cut-off values, a variant classified as likely benign is not then subjected to further curation. The score for this variant resulted in a classification of likely benign for this disease.

Breakthrough Genomics
Classification: Likely benign. Review status: criteria provided, single submitter. Criteria: ACMG Guidelines, 2015. Collection method: not provided. Allele origin: germline. Inheritance: Autosomal recessive inheritance. Affected: yes.

PreventionGenetics, part of Exact Sciences
Classification: Likely benign for SLC26A3-related condition. Last evaluated: 2019-06-17. Review status: no assertion criteria provided. Collection method: clinical testing. Allele origin: germline. Not counted in ClinVar's aggregate classification.
Comment: This variant is classified as likely benign based on ACMG/AMP sequence variant interpretation guidelines (Richards et al. 2015 PMID: 25741868, with internal and published modifications).

NM_000111.3(SLC26A3):c.1314C>T (p.Ser438=)

Gene: SLC26A3 (solute carrier family 26 member 3; minus strand). Cytogenetic location: 7q22.3.
Variant type: single nucleotide variant.
Coding change: c.1314C>T on transcript NM_000111.3 (MANE Select); coding-DNA position 1314, C replaced by T.
Protein change: p.Ser438=; no amino-acid change (serine 438 retained).
Molecular consequence: synonymous variant.
Genome position (GRCh38, 1-based): chr7:107,779,761, G>A on the plus strand (C>T on the coding strand, the complement: SLC26A3 is on the minus strand). VCF-style: chr7-107779761-G-A. GRCh37 (hg19) VCF-style: chr7-107420206-G-A.
Identifiers: ClinVar variation 789518 (VCV000789518.19), dbSNP rs117703371, ClinGen allele CA4433855.